The following is an entry in ClinVar:

ClinVar aggregate classification (germline): Pathogenic (1 of 4 stars; one submission).

Submission:

GeneDx
Classification: Pathogenic. Last evaluated: 2023-09-15. Review status: criteria provided, single submitter. Criteria: GeneDx Variant Classification Process June 2021. Collection method: clinical testing. Allele origin: germline. Affected: yes.
Comment: Not observed at significant frequency in large population cohorts (gnomAD); In silico analysis supports that this missense variant has a deleterious effect on protein structure/function; Has not been previously published as pathogenic or benign to our knowledge

NM_001348800.3(ZBTB20):c.1915T>G (p.Cys639Gly)

Gene: ZBTB20 (zinc finger and BTB domain containing 20; minus strand). Cytogenetic location: 3q13.31.
Variant type: single nucleotide variant.
Coding change: c.1915T>G on transcript NM_001348800.3 (MANE Select); coding-DNA position 1915, T replaced by G.
Protein change: p.Cys639Gly; replaces cysteine 639 with glycine.
Molecular consequence: missense variant. On other transcripts: non-coding transcript variant (1).
Genome position (GRCh38, 1-based): chr3:114,339,316, A>C on the plus strand (T>G on the coding strand, the complement: ZBTB20 is on the minus strand). VCF-style: chr3-114339316-A-C. GRCh37 (hg19) VCF-style: chr3-114058163-A-C.
Other names: c.1915T>G, p.Cys639Gly (NM_001164342.2, NM_001348803.3, NM_001393393.1 and 1 more transcripts); c.1696T>G, p.Cys566Gly (NM_001164343.2, NM_001164344.4, NM_001164345.4 and 9 more transcripts); short protein forms C566G, C639G.
Identifiers: ClinVar variation 3361980 (VCV003361980.1).